The following is an entry in ClinVar:

ClinVar aggregate classification (germline): Uncertain significance. Review status: criteria provided, multiple submitters, no conflicts (2 of 4 stars). 2 submissions from 2 submitters: Uncertain significance (2). Last evaluated 2022-10-27.

Conditions:
Hereditary cancer-predisposing syndrome. Also called: Hereditary neoplastic syndrome; Neoplastic Syndromes, Hereditary; Tumor predisposition; Hereditary Cancer Syndrome. Identifiers: Orphanet 140162, MedGen C0027672, MeSH D009386, MONDO:0015356.
Multiple endocrine neoplasia, type 1 (MEN1). Also called: MEN I; WERMER SYNDROME; Endocrine adenomatosis multiple; MEN 1; MEA I. Identifiers: Orphanet 652, MedGen C0025267, MeSH D018761, MONDO:0007540, OMIM 131100.

gnomAD v4.1: 1 of 1,613,814 alleles (0.000062%); no homozygotes.

Submissions (2):

Labcorp Genetics (formerly Invitae), Labcorp
Classification: Uncertain significance for Multiple endocrine neoplasia, type 1. Last evaluated: 2022-10-27. Review status: criteria provided, single submitter. Criteria: Invitae Variant Classification Sherloc (09022015). Collection method: clinical testing. Allele origin: germline.
Comment: In summary, the available evidence is currently insufficient to determine the role of this variant in disease. Therefore, it has been classified as a Variant of Uncertain Significance. Algorithms developed to predict the effect of missense changes on protein structure and function (SIFT, PolyPhen-2, Align-GVGD) all suggest that this variant is likely to be tolerated. ClinVar contains an entry for this variant (Variation ID: 1039583). This variant has not been reported in the literature in individuals affected with MEN1-related conditions. This variant is not present in population databases (gnomAD no frequency). This sequence change replaces phenylalanine, which is neutral and non-polar, with leucine, which is neutral and non-polar, at codon 159 of the MEN1 protein (p.Phe159Leu).

Ambry Genetics
Classification: Uncertain significance for Hereditary cancer-predisposing syndrome. Last evaluated: 2022-07-29. Review status: criteria provided, single submitter. Criteria: Ambry Variant Classification Scheme 2023. Collection method: clinical testing. Allele origin: germline.
Comment: The p.F159L variant (also known as c.477T>G), located in coding exon 2 of the MEN1 gene, results from a T to G substitution at nucleotide position 477. The phenylalanine at codon 159 is replaced by leucine, an amino acid with highly similar properties. This amino acid position is conserved. In addition, this alteration is predicted to be deleterious by in silico analysis. Since supporting evidence is limited at this time, the clinical significance of this alteration remains unclear.

NM_001370259.2(MEN1):c.477T>G (p.Phe159Leu)

Gene: MEN1 (menin 1; minus strand). Cytogenetic location: 11q13.1.
Variant type: single nucleotide variant.
Coding change: c.477T>G on transcript NM_001370259.2 (MANE Select); coding-DNA position 477, T replaced by G.
Protein change: p.Phe159Leu; replaces phenylalanine 159 with leucine.
Molecular consequence: missense variant.
Genome position (GRCh38, 1-based): chr11:64,808,068, A>C on the plus strand (T>G on the coding strand, the complement: MEN1 is on the minus strand). VCF-style: chr11-64808068-A-C. GRCh37 (hg19) VCF-style: chr11-64575540-A-C.
Other names: c.492T>G, p.Phe164Leu (NM_000244.4, NM_130800.3, NM_130801.3 and 3 more transcripts); c.477T>G, p.Phe159Leu (NM_001370251.2, NM_001370260.2, NM_001370261.2 and 3 more transcripts); short protein forms F159L, F164L.
Identifiers: ClinVar variation 1039583 (VCV001039583.11), dbSNP rs1941871397, ClinGen allele CA381186189.